The following is an entry in ClinVar:

NM_003247.5(THBS2):c.2583C>T (p.Asn861=)

Genes: THBS2 (thrombospondin 2; minus strand), THBS2-AS1 (THBS2 antisense RNA 1; plus strand). Cytogenetic location: 6q27.
Variant type: single nucleotide variant.
Coding change: c.2583C>T on transcript NM_003247.5 (MANE Select); coding-DNA position 2583, C replaced by T.
Protein change: p.Asn861=; no amino-acid change (asparagine 861 retained).
Molecular consequence: synonymous variant. On other transcripts: non-coding transcript variant (2).
Genome position (GRCh38, 1-based): chr6:169,225,335, G>A on the plus strand (C>T on the coding strand, the complement: THBS2 is on the minus strand). VCF-style: chr6-169225335-G-A. GRCh37 (hg19) VCF-style: chr6-169625430-G-A.
Other names: c.2409C>T, p.Asn803= (NM_001381939.1); c.2352C>T, p.Asn784= (NM_001381942.1).
Identifiers: ClinVar variation 5038641 (VCV005038641.1).
Genomic context (GRCh38, chr6:169,225,335, plus strand): 5'-GTTGGAGATGTAGGGGCAGTTGTCCTGGTTGTTCTGGTGGCCGTCGTCATCTATGTCCTC[G>A]TTGTTGTCACACTGGTCCCCAACAAGGTCATTGTCCACGTCGGTCTAGGGGATGGGGCGT-3'
Protein context (NP_003238.2, residues 851-871): NDLVGDQCDN[Asn861=]EDIDDDGHQN

ClinVar aggregate classification (germline): Likely benign (1 of 4 stars; one submission).

gnomAD v4.1: 666 of 1,565,680 alleles (0.043%); highest among the groups gnomAD compares: Non-Finnish European, 0.053%; no homozygotes.

Submission:

CeGaT Center for Human Genetics Tuebingen
Classification: Likely benign. Last evaluated: 2026-07-01. Review status: criteria provided, single submitter. Criteria: CeGaT Center For Human Genetics Tuebingen Variant Classification Criteria Version 2. Collection method: clinical testing. Allele origin: germline. Affected: yes. Observed: 1 variant allele.
Comment: THBS2: BP4, BP7